The following is an entry in ClinVar:

ClinVar aggregate classification (germline): Uncertain significance (1 of 4 stars; one submission).

Conditions:
Glycogen storage disease, type II (IOPD). Also called: Pompe Disease; CARDIOMEGALIA GLYCOGENICA DIFFUSA; GLYCOGENOSIS, GENERALIZED, CARDIAC FORM; GSD II; POMPE DISEASE, INFANTILE-ONSET; GLYCOGEN STORAGE DISEASE II, INFANTILE-ONSET. Identifiers: Orphanet 365, MedGen C0017921, MONDO:0009290, OMIM 232300.

Submission:

Genomenon, Inc
Classification: Uncertain significance for Glycogen storage disease, type II. Last evaluated: 2026-07-01. Review status: criteria provided, single submitter. Criteria: Genomenon Sequence Variant Interpretation Standards - Updated. Collection method: curation. Allele origin: germline. Affected: no.
Comment: GAA p.Val617Ala (c.1850T>C) is a missense variant that changes the amino acid at codon 617 from Valine to Alanine. This variant has been reported in the published literature (PMID:18425781). Well-established functional studies show no damaging effect of this variant on protein function, supporting a benign classification (PMID:18425781). It is absent or not present at a significant frequency in gnomAD. In silico models predict that this variant is possibly or probably damaging. In conclusion, we classify GAA p.Val617Ala (c.1850T>C) as a variant of uncertain significance.

Literature cited by the submitters: PubMed 18425781.

NM_000152.5(GAA):c.1850T>C (p.Val617Ala)

Gene: GAA (alpha glucosidase; plus strand). Cytogenetic location: 17q25.3.
Variant type: single nucleotide variant.
Coding change: c.1850T>C on transcript NM_000152.5 (MANE Select); coding-DNA position 1850, T replaced by C.
Protein change: p.Val617Ala; replaces valine 617 with alanine.
Molecular consequence: missense variant.
Genome position (GRCh38, 1-based): chr17:80,112,673, T>C. VCF-style: chr17-80112673-T-C. GRCh37 (hg19) VCF-style: chr17-78086472-T-C.
Other names: c.1850T>C, p.Val617Ala (NM_001079803.3, NM_001079804.3, NM_001406741.1 and 1 more transcripts); short protein forms V617A.
Identifiers: ClinVar variation 4876294 (VCV004876294.1).